The following is an entry in ClinVar:

NM_000059.4(BRCA2):c.3308T>G (p.Leu1103Ter)

Gene: BRCA2 (BRCA2 DNA repair associated; plus strand). Cytogenetic location: 13q13.1.
Variant type: single nucleotide variant.
Coding change: c.3308T>G on transcript NM_000059.4 (MANE Select); coding-DNA position 3308, T replaced by G.
Protein change: p.Leu1103Ter; replaces leucine 1103 with a stop codon.
Molecular consequence: nonsense.
Genome position (GRCh38, 1-based): chr13:32,337,663, T>G. VCF-style: chr13-32337663-T-G. GRCh37 (hg19) VCF-style: chr13-32911800-T-G.
Other names: 3536T>G; short protein forms L1103*.
Identifiers: ClinVar variation 37834 (VCV000037834.15), dbSNP rs397507305, ClinGen allele CA017759.

ClinVar aggregate classification (germline): Pathogenic. Review status: reviewed by expert panel (3 of 4 stars). 5 submissions from 5 submitters: Pathogenic (1). 4 of the submissions do not count toward it. Last evaluated 2016-09-08.

Conditions:
Hereditary cancer-predisposing syndrome. Also called: Tumor predisposition; Neoplastic Syndromes, Hereditary; Hereditary neoplastic syndrome; Hereditary Cancer Syndrome. Identifiers: Orphanet 140162, MedGen C0027672, MeSH D009386, MONDO:0015356.
Hereditary breast ovarian cancer syndrome. Also called: Hereditary breast and ovarian cancer; Hereditary breast and ovarian cancer syndrome (HBOC); Hereditary breast and/or ovarian cancer syndrome; Breast and ovarian cancer; Hereditary breast and ovarian cancer syndrome; BRCA1- and BRCA2-Associated Hereditary Breast and Ovarian Cancer. Identifiers: Orphanet 145, MedGen C0677776, MeSH D061325, MONDO:0003582. Disease mechanism: loss of function.
Breast-ovarian cancer, familial, susceptibility to, 2 (BROVCA2). Also called: BRCA2 Hereditary Breast and Ovarian Cancer. Identifiers: Orphanet 145, MedGen C2675520, MONDO:0012933, OMIM 612555. Disease mechanism: loss of function.
Familial cancer of breast. Also called: Hereditary breast cancer; BREAST CANCER, FAMILIAL; hereditary breast carcinoma. Identifiers: Orphanet 227535, MedGen C0346153, MONDO:0016419, OMIM 114480. Disease mechanism: loss of function.

Submissions (5):

Evidence-based Network for the Interpretation of Germline Mutant Alleles (ENIGMA)
Classification: Pathogenic for Breast-ovarian cancer, familial, susceptibility to, 2. Last evaluated: 2016-09-08. Review status: reviewed by expert panel. Criteria: ENIGMA BRCA1/2 Classification Criteria (2015). Collection method: curation. Allele origin: germline.
Comment: Variant allele predicted to encode a truncated non-functional protein.

Ambry Genetics
Classification: Pathogenic for Hereditary cancer-predisposing syndrome. Last evaluated: 2021-06-10. Review status: criteria provided, single submitter. Criteria: Ambry Variant Classification Scheme 2023. Collection method: clinical testing. Allele origin: germline. Not counted in ClinVar's aggregate classification.
Comment: The p.L1103* pathogenic mutation (also known as c.3308T>G), located in coding exon 10 of the BRCA2 gene, results from a T to G substitution at nucleotide position 3308. This changes the amino acid from a leucine to a stop codon within coding exon 10. This alteration is expected to result in loss of function by premature protein truncation or nonsense-mediated mRNA decay. As such, this alteration is interpreted as a disease-causing mutation.

Institute of Human Genetics, University of Leipzig Medical Center
Classification: Likely pathogenic for Familial cancer of breast. Last evaluated: 2019-01-01. Review status: criteria provided, single submitter. Criteria: ACMG Guidelines, 2015. Collection method: clinical testing. Allele origin: unknown. Affected: no. Not counted in ClinVar's aggregate classification.

Labcorp Genetics (formerly Invitae), Labcorp
Classification: Pathogenic for Hereditary breast ovarian cancer syndrome. Last evaluated: 2018-09-19. Review status: criteria provided, single submitter. Criteria: Invitae Variant Classification Sherloc (09022015). Collection method: clinical testing. Allele origin: germline. Not counted in ClinVar's aggregate classification.
Comment: This variant has been reported in individuals in the Leiden Open-source Variation Database (PMID: 21520333). ClinVar contains an entry for this variant (Variation ID: 37834). This variant is not present in population databases (ExAC no frequency). This sequence change creates a premature translational stop signal (p.Leu1103*) in the BRCA2 gene. It is expected to result in an absent or disrupted protein product. Loss-of-function variants in BRCA2 are known to be pathogenic (PMID: 20104584). For these reasons, this variant has been classified as Pathogenic.

Sharing Clinical Reports Project (SCRP)
Classification: Pathogenic for Breast-ovarian cancer, familial 2. Last evaluated: 2009-04-02. Review status: no assertion criteria provided. Collection method: clinical testing. Allele origin: germline. Not counted in ClinVar's aggregate classification.

Literature cited by the submitters: PubMed 21520333 (cited by Labcorp Genetics (formerly Invitae), Labcorp); PubMed 20104584 (cited by Labcorp Genetics (formerly Invitae), Labcorp).